The following is an entry in ClinVar:

ClinVar aggregate classification (germline): Pathogenic. Review status: reviewed by expert panel (3 of 4 stars). 8 submissions from 8 submitters: Pathogenic (1). 7 of the submissions do not count toward it. Last evaluated 2026-05-01.

Conditions:
Autosomal recessive limb-girdle muscular dystrophy. Identifiers: Orphanet 102015, MedGen C2931907, MONDO:0015152.
SGCA-related disorder. Also called: SGCA-related condition.
Autosomal recessive limb-girdle muscular dystrophy type 2D (LGMDR3). Also called: ADHALINOPATHY, PRIMARY; MUSCULAR DYSTROPHY, LIMB-GIRDLE, AUTOSOMAL RECESSIVE 3; DUCHENNE-LIKE AUTOSOMAL RECESSIVE MUSCULAR DYSTROPHY, TYPE 2. Identifiers: Orphanet 62, MedGen C2936332, MONDO:0011968, OMIM 608099. Disease mechanism: Affects gamma-sarcoglycan and also disrupts the integrity of the entire sarcoglycan complex..

Allele frequency attached by ClinVar (database versions not stated): gnomAD exomes 0.00001.
gnomAD v4.1: 10 of 1,614,140 alleles (0.00062%); highest among the groups gnomAD compares: Non-Finnish European, 0.00085%; no homozygotes.

Submissions (8):

ClinGen Limb Girdle Muscular Dystrophy Variant Curation Expert Panel, ClinGen
Classification: Pathogenic for Autosomal recessive limb-girdle muscular dystrophy. Last evaluated: 2026-05-01. Review status: reviewed by expert panel. Criteria: ClinGen LGMD VCEP ACMG Specifications SGCA V2.0.0. Collection method: curation. Allele origin: germline. Inheritance: Autosomal recessive inheritance.
Comment: The NM_000023.4: c.92T>C variant in SGCA is a missense variant predicted to cause substitution of leucine by proline at amino acid 131, p.(Leu31Pro). This variant has been detected in at least nine individuals with limb-girdle muscular dystrophy. Of those individuals, eight were presumed compound heterozygous for the variant and a second pathogenic or likely pathogenic variant (c.229C>T, c.739G>A, c.850C>T, c.101G>A, c.957-11C>G; 3.5 pts, PMID: 39678382, 32875335, 32528171, 12566530, 9032047, 17994539, ClinVar SCV001432771.2 internal data communication). Another individual was homozygous for the variant without reported consanguinity (0.5 pts; PMID: 18285821) (PM3_Very Strong). At least one patient heterozygous for this variant and a second diagnostic SGCA variant displayed progressive limb girdle muscle weakness and partial loss of alpha-sarcoglycan protein expression, the extent of which could not be confirmed (PP4; ClinVar SCV001432771.2 internal data communication). The variant has been reported to segregate with autosomal recessive limb girdle muscular dystrophy in two affected siblings from one family, but phase was not confirmed (PMID: 32875335; PP1 not met). The upper bound of the 95% confidence interval of the Grpmax variant allele frequency in gnomAD v4.1.1 is 0.000004598 (10/1180008 European (non-Finnish) alleles), which is lower than the LGMD VCEP threshold (<0.00009) for PM2_Supporting, and therefore meets this criterion. In vitro assays have demonstrated that this variant disrupts membrane localization of the sarcoglycan complex (PMID: 22095924; PS3_Supporting). The computational predictor REVEL gives a score of 0.586, which is below the threshold of 0.7 (PP3 not met). In summary, this variant meets the criteria to be classified as Pathogenic for autosomal recessive limb girdle muscular dystrophy based on the ACMG/AMP criteria applied, as specified by the ClinGen LGMD VCEP (LGMD VCEP specifications version 2.0.0; 05/01/2026): PM3_Very Strong, PP4, PM2_Supporting, PS3_Supporting.

Labcorp Genetics (formerly Invitae), Labcorp
Classification: Pathogenic for Autosomal recessive limb-girdle muscular dystrophy type 2D. Last evaluated: 2024-11-13. Review status: criteria provided, single submitter. Criteria: Invitae Variant Classification Sherloc (09022015). Collection method: clinical testing. Allele origin: germline. Not counted in ClinVar's aggregate classification.
Comment: This sequence change replaces leucine, which is neutral and non-polar, with proline, which is neutral and non-polar, at codon 31 of the SGCA protein (p.Leu31Pro). This variant is not present in population databases (gnomAD no frequency). This missense change has been observed in individuals with autosomal recessive limb-girdle muscular dystrophy (PMID: 9032047, 12566530, 18285821, 29351619). ClinVar contains an entry for this variant (Variation ID: 550333). Invitae Evidence Modeling of protein sequence and biophysical properties (such as structural, functional, and spatial information, amino acid conservation, physicochemical variation, residue mobility, and thermodynamic stability) indicates that this missense variant is expected to disrupt SGCA protein function with a positive predictive value of 95%. Experimental studies have shown that this missense change affects SGCA function (PMID: 22095924, 29351619). For these reasons, this variant has been classified as Pathogenic.

Blueprint Genetics
Classification: Pathogenic for SGCA-related disorders. Last evaluated: 2024-06-18. Review status: criteria provided, single submitter. Criteria: ACMG Guidelines, 2015. Collection method: clinical testing. Allele origin: germline. Affected: yes. Observed: 1 variant allele. Not counted in ClinVar's aggregate classification.

Revvity Omics, Revvity
Classification: Pathogenic for Autosomal recessive limb-girdle muscular dystrophy type 2D. Last evaluated: 2024-04-18. Review status: criteria provided, single submitter. Criteria: ACMG Guidelines, 2015. Collection method: clinical testing. Allele origin: germline. Not counted in ClinVar's aggregate classification.

Fulgent Genetics
Classification: Likely pathogenic for Autosomal recessive limb-girdle muscular dystrophy type 2D. Last evaluated: 2024-02-09. Review status: criteria provided, single submitter. Criteria: ACMG Guidelines, 2015. Collection method: clinical testing. Allele origin: germline. Not counted in ClinVar's aggregate classification.

Genome-Nilou Lab
Classification: Likely pathogenic for Autosomal recessive limb-girdle muscular dystrophy type 2D. Last evaluated: 2023-02-08. Review status: criteria provided, single submitter. Criteria: ACMG Guidelines, 2015. Collection method: clinical testing. Allele origin: germline. Not counted in ClinVar's aggregate classification.

Undiagnosed Diseases Network, NIH
Classification: Pathogenic for Autosomal recessive limb-girdle muscular dystrophy type 2D. Last evaluated: 2020-06-30. Review status: criteria provided, single submitter. Criteria: ACMG Guidelines, 2015. Collection method: clinical testing. Allele origin: paternal. Inheritance: Autosomal recessive inheritance. Affected: yes. Observed: 1 variant allele, 1 compound heterozygote. Study: Undiagnosed Diseases Network (NIH), UDN. Not counted in ClinVar's aggregate classification.

Counsyl
Classification: Likely pathogenic for Autosomal recessive limb-girdle muscular dystrophy type 2D. Last evaluated: 2017-01-11. Review status: no assertion criteria provided. Collection method: clinical testing. Allele origin: unknown. Not counted in ClinVar's aggregate classification.

Literature cited by the submitters: PubMed 9032047 (cited by Labcorp Genetics (formerly Invitae), Labcorp and Counsyl); PubMed 12566530 (cited by Labcorp Genetics (formerly Invitae), Labcorp and Counsyl); PubMed 18285821 (cited by Labcorp Genetics (formerly Invitae), Labcorp and Counsyl); PubMed 29351619 (cited by Labcorp Genetics (formerly Invitae), Labcorp); PubMed 22095924 (cited by Labcorp Genetics (formerly Invitae), Labcorp and Counsyl); PubMed 17994539 (cited by Counsyl); PubMed 24565866 (cited by Counsyl).

NM_000023.4(SGCA):c.92T>C (p.Leu31Pro)

Gene: SGCA (sarcoglycan alpha; plus strand). Cytogenetic location: 17q21.33.
Variant type: single nucleotide variant.
Coding change: c.92T>C on transcript NM_000023.4 (MANE Select); coding-DNA position 92, T replaced by C.
Protein change: p.Leu31Pro; replaces leucine 31 with proline.
Molecular consequence: missense variant. On other transcripts: non-coding transcript variant (1).
Genome position (GRCh38, 1-based): chr17:50,167,422, T>C. VCF-style: chr17-50167422-T-C. GRCh37 (hg19) VCF-style: chr17-48244783-T-C.
Other names: NM_000023.4(SGCA):c.92T>C; c.92T>C, p.Leu31Pro (NM_001135697.3); short protein forms L31P.
Identifiers: ClinVar variation 550333 (VCV000550333.22), dbSNP rs903823830, ClinGen allele CA291535993.
Genomic context (GRCh38, chr17:50,167,422, plus strand): 5'-CCACAGTTCTCCTGGCAGGGCTGGGGGACACCGAGGCCCAGCAGACCACGCTACACCCAC[T>C]TGTGGGCCGTGTCTTTGTGCACACCTTGGACCATGAGACGTTTCTGAGCCTTCCTGAGCA-3'
Protein context (NP_000014.1, residues 21-41): TEAQQTTLHP[Leu31Pro]VGRVFVHTLD